The following is an entry in ClinVar:

ClinVar aggregate classification (germline): Benign/Likely benign. Review status: criteria provided, multiple submitters, no conflicts (2 of 4 stars). 2 submissions from 2 submitters: Benign (1); Likely benign (1). Last evaluated 2026-07-30.

Conditions:
Early-infantile DEE. Also called: Early infantile epileptic encephalopathy with suppression bursts; Early infantile epileptic encephalopathy; Ohtahara syndrome. Identifiers: Orphanet 1934, MedGen C0393706, MONDO:0800491.
SPTAN1-related disorder. Also called: SPTAN1-related disorders; SPTAN1-related condition.

Allele frequency attached by ClinVar (database versions not stated): gnomAD exomes below 0.00001 and 0.00001; TOPMed 0.00001.
gnomAD v4.1: 3 of 1,612,832 alleles (0.00019%); highest among the groups gnomAD compares: Non-Finnish European, 0.00025%; no homozygotes.

Submissions (2):

PreventionGenetics, part of Exact Sciences
Classification: Likely benign for SPTAN1-related condition. Last evaluated: 2026-07-30. Review status: criteria provided, single submitter. Criteria: ACMG Guidelines, 2015. Collection method: clinical testing. Allele origin: germline.
Comment: This variant is classified as likely benign based on ACMG/AMP sequence variant interpretation guidelines (Richards et al. 2015 PMID: 25741868, with internal and published modifications).

Labcorp Genetics (formerly Invitae), Labcorp
Classification: Benign for Early-infantile DEE. Last evaluated: 2023-07-17. Review status: criteria provided, single submitter. Criteria: Invitae Variant Classification Sherloc (09022015). Collection method: clinical testing. Allele origin: germline.

NM_001130438.3(SPTAN1):c.7160+6T>C

Gene: SPTAN1 (spectrin alpha, non-erythrocytic 1; plus strand). Cytogenetic location: 9q34.11.
Variant type: single nucleotide variant.
Coding change: c.7160+6T>C on transcript NM_001130438.3 (MANE Select); 6 bases into the intron after coding-DNA position 7160, T replaced by C.
Molecular consequence: intron variant.
Genome position (GRCh38, 1-based): chr9:128,632,724, T>C. VCF-style: chr9-128632724-T-C. GRCh37 (hg19) VCF-style: chr9-131395003-T-C.
Other names: c.7259+6T>C (NM_001375318.1); c.7196+6T>C (NM_001375312.2); c.7160+6T>C (NM_001375311.2); c.7100+6T>C (NM_001375314.2, NM_001363765.2); c.7247+6T>C (NM_001375310.1); c.7223+6T>C (NM_001363759.2); c.7142+6T>C (NM_001375313.1); c.7145+6T>C (NM_003127.4); and 1 more.
Identifiers: ClinVar variation 833558 (VCV000833558.11), dbSNP rs1218914219, ClinGen allele CA590941647.